The following is an entry in ClinVar:

ClinVar aggregate classification (germline): Likely benign (0 of 4 stars; one submission).

Conditions:
PLXNA3-related disorder. Also called: PLXNA3-related condition.

gnomAD v4.1: 5 of 1,208,765 alleles (0.00041%); highest among the groups gnomAD compares: African/African-American, 0.007%; no homozygotes.

Submission:

PreventionGenetics, part of Exact Sciences
Classification: Likely benign for PLXNA3-related condition. Last evaluated: 2021-11-01. Review status: no assertion criteria provided. Collection method: clinical testing. Allele origin: germline.
Comment: This variant is classified as likely benign based on ACMG/AMP sequence variant interpretation guidelines (Richards et al. 2015 PMID: 25741868, with internal and published modifications).

NM_017514.5(PLXNA3):c.3135G>C (p.Gly1045=)

Gene: PLXNA3 (plexin A3; plus strand). Cytogenetic location: Xq28.
Variant type: single nucleotide variant.
Coding change: c.3135G>C on transcript NM_017514.5 (MANE Select); coding-DNA position 3135, G replaced by C.
Protein change: p.Gly1045=; no amino-acid change (glycine 1045 retained).
Molecular consequence: synonymous variant.
Genome position (GRCh38, 1-based): chrX:154,467,084, G>C. VCF-style: chrX-154467084-G-C. GRCh37 (hg19) VCF-style: chrX-153695427-G-C.
Identifiers: ClinVar variation 3354770 (VCV003354770.1).